The following is an entry in ClinVar:

NM_000219.6(KCNE1):c.308A>C (p.Tyr103Ser)

Gene: KCNE1 (potassium voltage-gated channel subfamily E regulatory subunit 1; minus strand). Cytogenetic location: 21q22.12.
Variant type: single nucleotide variant.
Coding change: c.308A>C on transcript NM_000219.6 (MANE Select); coding-DNA position 308, A replaced by C.
Protein change: p.Tyr103Ser; replaces tyrosine 103 with serine.
Molecular consequence: missense variant.
Genome position (GRCh38, 1-based): chr21:34,449,327, T>G on the plus strand (A>C on the coding strand, the complement: KCNE1 is on the minus strand). VCF-style: chr21-34449327-T-G. GRCh37 (hg19) VCF-style: chr21-35821625-T-G.
Other names: c.308A>C, p.Tyr103Ser (NM_001127668.4, NM_001127669.4, NM_001127670.4 and 4 more transcripts); short protein forms Y103S.
Identifiers: ClinVar variation 3374595 (VCV003374595.2).

Conditions:
Long QT syndrome 5 (LQT5). Identifiers: Orphanet 101016, Orphanet 768, MedGen C1867904, MONDO:0013372, OMIM 613695.

Submission:

Roden Lab, Vanderbilt University Medical Center
No classification provided (evidence only). Condition: Long QT syndrome 5. Review status: no classification provided. Collection method: in vitro. Allele origin: not applicable. Functional consequence: Effect on ion channel function.
ClinVar note: "not provided" was previously submitted as the classification for the variant. However, the classification appeared to be based only on an observation of functional data so it was converted to no classification on 2025-07-30.